The following is an entry in ClinVar:

ClinVar aggregate classification (germline): Likely benign. Review status: reviewed by expert panel (3 of 4 stars). 7 submissions from 7 submitters: Likely benign (1). 6 of the submissions do not count toward it. Last evaluated 2017-06-29.

Conditions:
Hereditary breast ovarian cancer syndrome. Also called: Hereditary breast and ovarian cancer syndrome (HBOC); BRCA1- and BRCA2-Associated Hereditary Breast and Ovarian Cancer; Hereditary breast and/or ovarian cancer syndrome; Hereditary breast and ovarian cancer syndrome; Hereditary breast and ovarian cancer; Breast and ovarian cancer. Identifiers: Orphanet 145, MedGen C0677776, MeSH D061325, MONDO:0003582. Disease mechanism: loss of function.
Familial cancer of breast. Also called: hereditary breast carcinoma; BREAST CANCER, FAMILIAL; Hereditary breast cancer. Identifiers: Orphanet 227535, MedGen C0346153, MONDO:0016419, OMIM 114480. Disease mechanism: loss of function.
Fanconi anemia, complementation group S (FANCS). Identifiers: MedGen C4554406, MONDO:0054748, OMIM 617883.
Breast-ovarian cancer, familial, susceptibility to, 1 (BROVCA1). Also called: BRCA1 Hereditary Breast and Ovarian Cancer; OVARIAN CANCER, SUSCEPTIBILITY TO. Identifiers: Orphanet 145, MedGen C2676676, MONDO:0011450, OMIM 604370. Disease mechanism: loss of function.
Hereditary cancer-predisposing syndrome. Also called: Neoplastic Syndromes, Hereditary; Hereditary neoplastic syndrome; Tumor predisposition; Hereditary Cancer Syndrome. Identifiers: Orphanet 140162, MedGen C0027672, MeSH D009386, MONDO:0015356.

Allele frequency attached by ClinVar (database versions not stated): gnomAD exomes 0.00001.
gnomAD v4.1: 2 of 1,613,946 alleles (0.00012%); highest among the groups gnomAD compares: East Asian, 0.0022%; no homozygotes.

Submissions (7):

Evidence-based Network for the Interpretation of Germline Mutant Alleles (ENIGMA)
Classification: Likely benign for Breast-ovarian cancer, familial, susceptibility to, 1. Last evaluated: 2017-06-29. Review status: reviewed by expert panel. Criteria: ENIGMA BRCA1/2 Classification Criteria (2017-06-29). Collection method: curation. Allele origin: germline.
Comment: Synonymous substitution variant, with low bioinformatic likelihood to result in a splicing aberration (Splicing prior probability 0.02).

Color Diagnostics, LLC DBA Color Health
Classification: Likely benign for Hereditary cancer-predisposing syndrome. Last evaluated: 2025-05-05. Review status: criteria provided, single submitter. Criteria: ACMG Guidelines, 2015. Collection method: clinical testing. Allele origin: germline. Not counted in ClinVar's aggregate classification.

Labcorp Genetics (formerly Invitae), Labcorp
Classification: Likely benign for Hereditary breast ovarian cancer syndrome. Last evaluated: 2025-03-19. Review status: criteria provided, single submitter. Criteria: Invitae Variant Classification Sherloc (09022015). Collection method: clinical testing. Allele origin: germline. Not counted in ClinVar's aggregate classification.

Department of Pathology and Laboratory Medicine, Sinai Health System
Classification: Likely benign for Familial cancer of breast; Breast-ovarian cancer, familial, susceptibility to, 1; Fanconi anemia, complementation group S. Last evaluated: 2023-01-03. Review status: criteria provided, single submitter. Criteria: ACMG Guidelines, 2015. Collection method: clinical testing. Allele origin: germline. Affected: yes. Not counted in ClinVar's aggregate classification.

Sema4
Classification: Likely benign for Hereditary cancer-predisposing syndrome. Last evaluated: 2022-03-17. Review status: criteria provided, single submitter. Criteria: Sema4 Curation Guidelines. Collection method: curation. Allele origin: germline. Not counted in ClinVar's aggregate classification.

Quest Diagnostics Nichols Institute San Juan Capistrano
Classification: Likely benign. Last evaluated: 2017-09-25. Review status: criteria provided, single submitter. Criteria: Quest Diagnostics criteria. Collection method: clinical testing. Allele origin: germline. Not counted in ClinVar's aggregate classification.

Ambry Genetics
Classification: Likely benign for Hereditary cancer-predisposing syndrome. Last evaluated: 2017-02-06. Review status: criteria provided, single submitter. Criteria: Ambry Variant Classification Scheme 2023. Collection method: clinical testing. Allele origin: germline. Not counted in ClinVar's aggregate classification.

NM_007294.4(BRCA1):c.1374C>T (p.Asp458=)

Gene: BRCA1 (BRCA1 DNA repair associated; minus strand). Cytogenetic location: 17q21.31.
Variant type: single nucleotide variant.
Coding change: c.1374C>T on transcript NM_007294.4 (MANE Select); coding-DNA position 1374, C replaced by T.
Protein change: p.Asp458=; no amino-acid change (aspartic acid 458 retained).
Molecular consequence: synonymous variant. On other transcripts: intron variant (137).
Genome position (GRCh38, 1-based): chr17:43,094,157, G>A on the plus strand (C>T on the coding strand, the complement: BRCA1 is on the minus strand). VCF-style: chr17-43094157-G-A. GRCh37 (hg19) VCF-style: chr17-41246174-G-A.
Other names: c.1161C>T, p.Asp387= (NM_001407571.1, NM_001407853.1, NM_001407894.1 and 9 more transcripts); c.1374C>T, p.Asp458= (NM_001407581.1, NM_001407582.1, NM_001407583.1 and 30 more transcripts); c.1371C>T, p.Asp457= (NM_001407587.1, NM_001407590.1, NM_001407591.1 and 22 more transcripts); c.1365C>T, p.Asp455= (NM_001407646.1, NM_001407647.1); c.1251C>T, p.Asp417= (NM_001407648.1, NM_001407664.1, NM_001407665.1 and 19 more transcripts); c.1248C>T, p.Asp416= (NM_001407649.1, NM_001407670.1, NM_001407671.1 and 11 more transcripts); c.1296C>T, p.Asp432= (NM_001407653.1, NM_001407654.1, NM_001407655.1 and 4 more transcripts); c.1293C>T, p.Asp431= (NM_001407659.1, NM_001407660.1, NM_001407661.1 and 1 more transcripts); and 40 more.
Identifiers: ClinVar variation 427249 (VCV000427249.22), dbSNP rs879253999, ClinGen allele CA500233301.
Genomic context (GRCh38, chr17:43,094,157, plus strand): 5'-AGTTACATGGCTTAAGTTGGGGAGGCTTGCCTTCTTCCGATAGGTTTTCCCAAATATTTT[G>A]TCTTCAATATTACTCTCTACTGATTTGGAGTGAACTCTTTCACTTTTACATATTAAAGCC-3'
Protein context (NP_009225.1, residues 448-468): HSKSVESNIE[Asp458=]KIFGKTYRKK